The following is an entry in ClinVar:

ClinVar aggregate classification (germline): Pathogenic (1 of 4 stars; one submission).

Conditions:
Abetalipoproteinaemia (ABL). Also called: Congenital betalipoprotein deficiency syndrome; MTP DEFICIENCY; Abetalipoproteinemia; Abetalipoproteinemia neuropathy; Apolipoprotein B deficiency. Identifiers: Orphanet 14, MedGen C0000744, MONDO:0008692, OMIM 200100, HP:0008181.

Submission:

Natera, Inc.
Classification: Pathogenic for Abetalipoproteinemia. Last evaluated: 2025-02-25. Review status: criteria provided, single submitter. Criteria: Natera Variant Classification Schema (03/2026). Collection method: clinical testing. Allele origin: germline.
Comment: The c.2218-1G>A variant in MTTP is a canonical splice acceptor site variant predicted to affect pre-mRNA splicing, which may result in an abnormal transcript and altered protein product. This variant is expected to result in nonsense mediated decay, truncation, or a dysfunctional protein product. This variant is rare in the general population with a frequency below the threshold expected for the associated phenotype(s). Another variant at this same site results in an alteration predicted to cause a similar molecular effect has been observed in individual(s) with the associated phenotype. Given the available evidence, this variant is classified as Pathogenic.

NM_001386140.1(MTTP):c.2218-1G>A

Gene: MTTP (microsomal triglyceride transfer protein; plus strand). Cytogenetic location: 4q23.
Variant type: single nucleotide variant.
Coding change: c.2218-1G>A on transcript NM_001386140.1 (MANE Select); the canonical splice acceptor site of the intron before coding-DNA position 2218, G replaced by A.
Molecular consequence: splice acceptor variant.
Genome position (GRCh38, 1-based): chr4:99,618,973, G>A. VCF-style: chr4-99618973-G-A. GRCh37 (hg19) VCF-style: chr4-100540130-G-A.
Other names: c.2218-1G>A (NM_000253.4); c.1969-1G>A (NM_001300785.2).
Identifiers: ClinVar variation 4058040 (VCV004058040.2).